The following is an entry in ClinVar:

ClinVar aggregate classification (germline): Uncertain significance (1 of 4 stars; one submission).

Conditions:
Nephronophthisis. Also called: Juvenile Nephronophthisis. Identifiers: Orphanet 655, MedGen C0687120, MONDO:0019005, HP:0000090.

Allele frequency attached by ClinVar (database versions not stated): TOPMed below 0.00001; ExAC 0.00002; gnomAD exomes 0.00002.
gnomAD v4.1: 20 of 1,613,974 alleles (0.0012%); highest among the groups gnomAD compares: Non-Finnish European, 0.0016%; no homozygotes.

Submission:

Labcorp Genetics (formerly Invitae), Labcorp
Classification: Uncertain significance for Nephronophthisis. Last evaluated: 2021-08-28. Review status: criteria provided, single submitter. Criteria: Invitae Variant Classification Sherloc (09022015). Collection method: clinical testing. Allele origin: germline.
Comment: This sequence change replaces serine with proline at codon 987 of the INVS protein (p.Ser987Pro). The serine residue is moderately conserved and there is a moderate physicochemical difference between serine and proline. This variant is present in population databases (rs779291688, ExAC 0.005%). This variant has not been reported in the literature in individuals affected with INVS-related conditions. Algorithms developed to predict the effect of missense changes on protein structure and function output the following: SIFT: "Tolerated"; PolyPhen-2: "Benign"; Align-GVGD: "Class C0". The proline amino acid residue is found in multiple mammalian species, which suggests that this missense change does not adversely affect protein function. In summary, the available evidence is currently insufficient to determine the role of this variant in disease. Therefore, it has been classified as a Variant of Uncertain Significance.

NM_014425.5(INVS):c.2959T>C (p.Ser987Pro)

Gene: INVS (inversin; plus strand). Cytogenetic location: 9q31.1.
Variant type: single nucleotide variant.
Coding change: c.2959T>C on transcript NM_014425.5 (MANE Select); coding-DNA position 2959, T replaced by C.
Protein change: p.Ser987Pro; replaces serine 987 with proline.
Molecular consequence: missense variant. On other transcripts: non-coding transcript variant (1).
Genome position (GRCh38, 1-based): chr9:100,297,089, T>C. VCF-style: chr9-100297089-T-C. GRCh37 (hg19) VCF-style: chr9-103059371-T-C.
Other names: c.2671T>C, p.Ser891Pro (NM_001318381.2); c.1981T>C, p.Ser661Pro (NM_001318382.2); short protein forms S661P, S891P, S987P.
Identifiers: ClinVar variation 1023050 (VCV001023050.6), dbSNP rs779291688, ClinGen allele CA5158736.
Genomic context (GRCh38, chr9:100,297,089, plus strand): 5'-AAGGAACTGGAACTAAAATTCCCCCAAACCACTGCAGTAAGCAAGGCCCCCAAGAGTCCA[T>C]CCAAGGGCACCTCAGGCACAAAGTCCACCAAGCACTCAGTGCTTAAGCAAATCTATGGTA-3'
Protein context (NP_055240.2, residues 977-997): TAVSKAPKSP[Ser987Pro]KGTSGTKSTK